The following is an entry in ClinVar:

ClinVar aggregate classification (germline): Uncertain significance. Review status: criteria provided, multiple submitters, no conflicts (2 of 4 stars). 7 submissions from 7 submitters: Uncertain significance (6). 1 of the submissions does not count toward it. Last evaluated 2026-08-18.

Conditions:
Deficiency of acetyl-CoA acetyltransferase. Also called: 3-KETOTHIOLASE DEFICIENCY; 3-OXOTHIOLASE DEFICIENCY; Beta-ketothiolase deficiency; MITOCHONDRIAL ACETOACETYL-CoA THIOLASE DEFICIENCY. Identifiers: Orphanet 134, MedGen C1536500, MONDO:0008760, OMIM 203750. Disease mechanism: loss of function.

Allele frequency attached by ClinVar (database versions not stated): gnomAD 0.00001; ExAC 0.00002; gnomAD exomes 0.00002 and 0.00003; TOPMed 0.00002; 1000 Genomes Project 0.00020; 1000 Genomes Project 30x 0.00031.

Submissions (7):

Myriad Genetics, Inc.
Classification: Uncertain significance for Deficiency of acetyl-CoA acetyltransferase. Last evaluated: 2026-08-18. Review status: criteria provided, single submitter. Criteria: Myriad Autosomal Dominant, Autosomal Recessive and X-Linked Classification Criteria (2023). Collection method: clinical testing. Allele origin: unknown.
Comment: NM_000019.3(ACAT1):c.155T>C(I52T) is a missense variant classified as a variant of uncertain significance in the context of beta-ketothiolase deficiency. I52T has been observed in a case with relevant disease (PMID: Lee_2012_Article). Relevant functional assessments of this variant are not available in the literature. I52T has been observed in referenced population frequency databases. In summary, there is insufficient evidence to classify NM_000019.3(ACAT1):c.155T>C(I52T) as pathogenic or benign. Please note: this variant was assessed in the context of healthy population screening.

3billion
Classification: Uncertain significance for Deficiency of acetyl-CoA acetyltransferase. Last evaluated: 2025-06-09. Review status: criteria provided, single submitter. Criteria: ACMG Guidelines, 2015. Collection method: clinical testing. Allele origin: germline. Affected: yes.
Comment: The variant is observed at an extremely low frequency in the gnomAD v4.1.0 dataset (total allele frequency: 0.003%). Predicted Consequence/Location: Missense variant. The majority of the known disease-causing variants of this gene are variants expected to result in premature termination of the protein. In silico tool predictions suggest damaging effect of the variant on gene or gene product [REVEL: 0.79 (>=0.6, sensitivity 0.68 and specificity 0.92)]. The variant has been reported as of uncertain significance (ClinVar ID: VCV000877555). Therefore, this variant is classified as VUS according to the recommendation of ACMG/AMP guideline.

Blueprint Genetics
Classification: Uncertain significance. Last evaluated: 2023-01-13. Review status: criteria provided, single submitter. Criteria: ACMG Guidelines, 2015. Collection method: clinical testing. Allele origin: germline.

Fulgent Genetics
Classification: Uncertain significance for Deficiency of acetyl-CoA acetyltransferase. Last evaluated: 2021-10-08. Review status: criteria provided, single submitter. Criteria: ACMG Guidelines, 2015. Collection method: clinical testing. Allele origin: unknown.

Labcorp Genetics (formerly Invitae), Labcorp
Classification: Uncertain significance for Deficiency of acetyl-CoA acetyltransferase. Last evaluated: 2021-09-01. Review status: criteria provided, single submitter. Criteria: Invitae Variant Classification Sherloc (09022015). Collection method: clinical testing. Allele origin: germline.
Comment: This sequence change replaces isoleucine with threonine at codon 52 of the ACAT1 protein (p.Ile52Thr). The isoleucine residue is highly conserved and there is a moderate physicochemical difference between isoleucine and threonine. This variant is present in population databases (rs151080188, ExAC 0.01%). This variant has not been reported in the literature in individuals affected with ACAT1-related conditions. Algorithms developed to predict the effect of missense changes on protein structure and function are either unavailable or do not agree on the potential impact of this missense change (SIFT: "Deleterious"; PolyPhen-2: "Probably Damaging"; Align-GVGD: "Class C0"). In summary, the available evidence is currently insufficient to determine the role of this variant in disease. Therefore, it has been classified as a Variant of Uncertain Significance.

Illumina Laboratory Services, Illumina
Classification: Uncertain significance for Deficiency of acetyl-CoA acetyltransferase. Last evaluated: 2017-04-27. Review status: criteria provided, single submitter. Criteria: ICSL Variant Classification Criteria 13 December 2019. Collection method: clinical testing. Allele origin: germline.

Natera, Inc.
Classification: Uncertain significance for Alpha-methylacetoacetic aciduria. Last evaluated: 2021-05-17. Review status: no assertion criteria provided. Collection method: clinical testing. Allele origin: germline. Not counted in ClinVar's aggregate classification.

NM_000019.4(ACAT1):c.155T>C (p.Ile52Thr)

Gene: ACAT1 (acetyl-CoA acetyltransferase 1; plus strand). Cytogenetic location: 11q22.3.
Variant type: single nucleotide variant.
Coding change: c.155T>C on transcript NM_000019.4 (MANE Select); coding-DNA position 155, T replaced by C.
Protein change: p.Ile52Thr; replaces isoleucine 52 with threonine.
Molecular consequence: missense variant.
Genome position (GRCh38, 1-based): chr11:108,133,854, T>C. VCF-style: chr11-108133854-T-C. GRCh37 (hg19) VCF-style: chr11-108004581-T-C.
Other names: short protein forms I52T.
Identifiers: ClinVar variation 877555 (VCV000877555.17), dbSNP rs151080188, ClinGen allele CA6263032.